The following is an entry in ClinVar:

NM_000133.4(F9):c.464G>C (p.Cys155Ser)

Gene: F9 (coagulation factor IX; plus strand). Cytogenetic location: Xq27.1.
Variant type: single nucleotide variant.
Coding change: c.464G>C on transcript NM_000133.4 (MANE Select); coding-DNA position 464, G replaced by C.
Protein change: p.Cys155Ser; replaces cysteine 155 with serine.
Molecular consequence: missense variant.
Genome position (GRCh38, 1-based): chrX:139,548,435, G>C. VCF-style: chrX-139548435-G-C. GRCh37 (hg19) VCF-style: chrX-138630594-G-C.
Other names: c.350G>C, p.Cys117Ser (NM_001313913.2); short protein forms C117S, C155S.
Identifiers: ClinVar variation 2637194 (VCV002637194.1), dbSNP rs1330705989, ClinGen allele CA414439128.

ClinVar aggregate classification (germline): Likely pathogenic (1 of 4 stars; one submission).

Conditions:
F9-related disorder. Also called: F9-related condition.

Submission:

PreventionGenetics, part of Exact Sciences
Classification: Likely pathogenic for F9-related condition. Last evaluated: 2022-09-27. Review status: criteria provided, single submitter. Criteria: ACMG Guidelines, 2015. Collection method: clinical testing. Allele origin: germline.
Comment: The F9 c.464G>C variant is predicted to result in the amino acid substitution p.Cys155Ser. This variant has been reported in patients with Haemophilia B and functional studies support its pathogenicity (Giannelli et al. 1994. PubMed ID: 7937052; Chavali et al. 2009. PubMed ID: 19699296). Other missense changes affecting the same amino acid have also been documented as causative (Human Gene Mutation Database). This variant has not been reported in a large population database, indicating this variant is rare. This variant is interpreted as likely pathogenic.